The following is an entry in ClinVar:

NM_000170.3(GLDC):c.384G>T (p.Gln128His)

Gene: GLDC (glycine decarboxylase; minus strand). Cytogenetic location: 9p24.1.
Variant type: single nucleotide variant.
Coding change: c.384G>T on transcript NM_000170.3 (MANE Select); coding-DNA position 384, G replaced by T.
Protein change: p.Gln128His; replaces glutamine 128 with histidine.
Molecular consequence: missense variant.
Genome position (GRCh38, 1-based): chr9:6,620,270, C>A on the plus strand (G>T on the coding strand, the complement: GLDC is on the minus strand). VCF-style: chr9-6620270-C-A. GRCh37 (hg19) VCF-style: chr9-6620270-C-A.
Other names: short protein forms Q128H.
Identifiers: ClinVar variation 2157642 (VCV002157642.1), dbSNP rs2129949115, ClinGen allele CA372879635.

ClinVar aggregate classification (germline): Uncertain significance (1 of 4 stars; one submission).

Conditions:
Glycine encephalopathy. Also called: Non-ketotic hyperglycinemia; Nonketotic hyperglycinemia. Identifiers: Orphanet 407, MedGen C0751748, MONDO:0011612, HP:0008288.

Allele frequency attached by ClinVar (database versions not stated): gnomAD exomes below 0.00001.

Submission:

Labcorp Genetics (formerly Invitae), Labcorp
Classification: Uncertain significance for Glycine encephalopathy. Last evaluated: 2022-02-23. Review status: criteria provided, single submitter. Criteria: Invitae Variant Classification Sherloc (09022015). Collection method: clinical testing. Allele origin: germline.
Comment: This sequence change replaces glutamine, which is neutral and polar, with histidine, which is basic and polar, at codon 128 of the GLDC protein (p.Gln128His). This variant is not present in population databases (gnomAD no frequency). This variant has not been reported in the literature in individuals affected with GLDC-related conditions. Advanced modeling of protein sequence and biophysical properties (such as structural, functional, and spatial information, amino acid conservation, physicochemical variation, residue mobility, and thermodynamic stability) performed at Invitae indicates that this missense variant is not expected to disrupt GLDC protein function. In summary, the available evidence is currently insufficient to determine the role of this variant in disease. Therefore, it has been classified as a Variant of Uncertain Significance.